The following is an entry in ClinVar:

ClinVar aggregate classification (germline): Pathogenic (1 of 4 stars; one submission).

Conditions:
Neuronal ceroid lipofuscinosis. Also called: Neuronal Ceroid Lipofuscinoses. Identifiers: Orphanet 216, Orphanet 79263, MedGen C0027877, MONDO:0016295. Disease mechanism: loss of function.

Submission:

Labcorp Genetics (formerly Invitae), Labcorp
Classification: Pathogenic for Neuronal ceroid lipofuscinosis. Last evaluated: 2023-08-16. Review status: criteria provided, single submitter. Criteria: Invitae Variant Classification Sherloc (09022015). Collection method: clinical testing. Allele origin: germline.
Comment: This sequence change creates a premature translational stop signal (p.Lys201*) in the CLN6 gene. It is expected to result in an absent or disrupted protein product. Loss-of-function variants in CLN6 are known to be pathogenic (PMID: 19135028). This variant is not present in population databases (gnomAD no frequency). For these reasons, this variant has been classified as Pathogenic. This variant has not been reported in the literature in individuals affected with CLN6-related conditions.

Literature cited by the submitters: PubMed 19135028.

NM_017882.3(CLN6):c.601A>T (p.Lys201Ter)

Gene: CLN6 (CLN6 transmembrane ER protein; minus strand). Cytogenetic location: 15q23.
Variant type: single nucleotide variant.
Coding change: c.601A>T on transcript NM_017882.3 (MANE Select); coding-DNA position 601, A replaced by T.
Protein change: p.Lys201Ter; replaces lysine 201 with a stop codon.
Molecular consequence: nonsense.
Genome position (GRCh38, 1-based): chr15:68,209,701, T>A on the plus strand (A>T on the coding strand, the complement: CLN6 is on the minus strand). VCF-style: chr15-68209701-T-A. GRCh37 (hg19) VCF-style: chr15-68502039-T-A.
Other names: c.697A>T, p.Lys233Ter (NM_001411068.1); short protein forms K201*, K233*.
Identifiers: ClinVar variation 2837514 (VCV002837514.3), dbSNP rs587780316, ClinGen allele CA392972912.